The following is an entry in ClinVar:

ClinVar aggregate classification (germline): Likely benign. Review status: criteria provided, multiple submitters, no conflicts (2 of 4 stars). 4 submissions from 4 submitters: Likely benign (3). 1 of the submissions does not count toward it. Last evaluated 2026-01-13.

Conditions:
Rieger anomaly (RIEG). Also called: Goniodysgenesis hypodontia; Iridogoniodysgenesis with somatic anomalies. Identifiers: Orphanet 91483, MedGen C0265341, MONDO:0019628, HP:0000558.
Hereditary cancer-predisposing syndrome. Also called: Neoplastic Syndromes, Hereditary; Tumor predisposition; Hereditary Cancer Syndrome; Hereditary neoplastic syndrome. Identifiers: Orphanet 140162, MedGen C0027672, MeSH D009386, MONDO:0015356.
Gorlin syndrome. Also called: Nevoid Basal Cell Carcinoma Syndrome; Basal cell nevus syndrome. Identifiers: Orphanet 377, MedGen C0004779, MONDO:0007187.
PTCH1-related disorder. Also called: PTCH1-related disorders; PTCH1-related condition.

Allele frequency attached by ClinVar (database versions not stated): ExAC 0.00003; gnomAD exomes 0.00003 and 0.00004; TOPMed 0.00003; ESP Exome Variant Server 0.00008; gnomAD 0.00010.
gnomAD v4.1: 69 of 1,613,118 alleles (0.0043%); highest among the groups gnomAD compares: Middle Eastern, 0.016%; no homozygotes.

Submissions (4):

Labcorp Genetics (formerly Invitae), Labcorp
Classification: Likely benign for Gorlin syndrome. Last evaluated: 2026-01-13. Review status: criteria provided, single submitter. Criteria: Invitae Variant Classification Sherloc (09022015). Collection method: clinical testing. Allele origin: germline.

PreventionGenetics, part of Exact Sciences
Classification: Likely benign for PTCH1-related condition. Last evaluated: 2025-11-12. Review status: criteria provided, single submitter. Criteria: ACMG Guidelines, 2015. Collection method: clinical testing. Allele origin: germline.
Comment: This variant is classified as likely benign based on ACMG/AMP sequence variant interpretation guidelines (Richards et al. 2015 PMID: 25741868, with internal and published modifications).

Ambry Genetics
Classification: Likely benign for Hereditary cancer-predisposing syndrome. Last evaluated: 2020-05-12. Review status: criteria provided, single submitter. Criteria: Ambry Variant Classification Scheme 2023. Collection method: clinical testing. Allele origin: germline.

Paul Sabatier University EA-4555, Paul Sabatier University
Classification: Likely pathogenic for Rieger anomaly. Last evaluated: 2013-01-01. Review status: flagged submission. Criteria: Chassaing et al. (Genome Res. 2016). Collection method: clinical testing, research. Allele origin: inherited, paternal. Affected: yes. Observed: 1 heterozygote. Not counted in ClinVar's aggregate classification.
ClinVar note: Reason: Older claim that does not account for recent evidence

Literature cited by the submitters: PubMed 26893459 (cited by Ambry Genetics).

NM_000264.5(PTCH1):c.3889C>T (p.Arg1297Trp)

Gene: PTCH1 (patched 1; minus strand). Cytogenetic location: 9q22.32.
Variant type: single nucleotide variant.
Coding change: c.3889C>T on transcript NM_000264.5 (MANE Select); coding-DNA position 3889, C replaced by T.
Protein change: p.Arg1297Trp; replaces arginine 1297 with tryptophan.
Molecular consequence: missense variant. On other transcripts: non-coding transcript variant (1).
Genome position (GRCh38, 1-based): chr9:95,447,367, G>A on the plus strand (C>T on the coding strand, the complement: PTCH1 is on the minus strand). VCF-style: chr9-95447367-G-A. GRCh37 (hg19) VCF-style: chr9-98209649-G-A.
Other names: c.3691C>T, p.Arg1231Trp (NM_001083602.3); c.3886C>T, p.Arg1296Trp (NM_001083603.3); c.3436C>T, p.Arg1146Trp (NM_001083604.3, NM_001083605.3, NM_001083606.3 and 1 more transcripts); c.3733C>T, p.Arg1245Trp (NM_001354918.2); short protein forms R1231W, R1297W, R1245W, R1296W, R1146W.
Identifiers: ClinVar variation 132738 (VCV000132738.15), dbSNP rs372027952, ClinGen allele CA332062.